The following is an entry in ClinVar:

ClinVar aggregate classification (germline): Uncertain significance (1 of 4 stars; one submission).

Conditions:
Multiple congenital anomalies-hypotonia-seizures syndrome 1 (MCAHS1). Also called: GLYCOSYLPHOSPHATIDYLINOSITOL BIOSYNTHESIS DEFECT 3; PIGN-CDG; Congenital disorder of glycosylation due to PIGN deficiency. Identifiers: Orphanet 280633, MedGen C3279775, MONDO:0013563, OMIM 614080.

Allele frequency attached by ClinVar (database versions not stated): TOPMed 0.00001.
gnomAD v4.1: 2 of 1,609,508 alleles (0.00012%); highest among the groups gnomAD compares: Non-Finnish European, 0.00017%; no homozygotes.

Submission:

Labcorp Genetics (formerly Invitae), Labcorp
Classification: Uncertain significance for Multiple congenital anomalies-hypotonia-seizures syndrome 1. Last evaluated: 2021-08-31. Review status: criteria provided, single submitter. Criteria: Invitae Variant Classification Sherloc (09022015). Collection method: clinical testing. Allele origin: germline.
Comment: This sequence change replaces glycine with valine at codon 472 of the PIGN protein (p.Gly472Val). The glycine residue is moderately conserved and there is a moderate physicochemical difference between glycine and valine. The frequency data for this variant in the population databases is considered unreliable, as metrics indicate poor data quality at this position in the ExAC database. This variant has not been reported in the literature in individuals affected with PIGN-related conditions. ClinVar contains an entry for this variant (Variation ID: 1009219). Algorithms developed to predict the effect of missense changes on protein structure and function (SIFT, PolyPhen-2, Align-GVGD) all suggest that this variant is likely to be tolerated. In summary, the available evidence is currently insufficient to determine the role of this variant in disease. Therefore, it has been classified as a Variant of Uncertain Significance.

NM_176787.5(PIGN):c.1415G>T (p.Gly472Val)

Gene: PIGN (phosphatidylinositol glycan anchor biosynthesis class N; minus strand). Cytogenetic location: 18q21.33.
Variant type: single nucleotide variant.
Coding change: c.1415G>T on transcript NM_176787.5 (MANE Select); coding-DNA position 1415, G replaced by T.
Protein change: p.Gly472Val; replaces glycine 472 with valine.
Molecular consequence: missense variant.
Genome position (GRCh38, 1-based): chr18:62,113,153, C>A on the plus strand (G>T on the coding strand, the complement: PIGN is on the minus strand). VCF-style: chr18-62113153-C-A. GRCh37 (hg19) VCF-style: chr18-59780386-C-A.
Other names: c.1415G>T, p.Gly472Val (NM_012327.6); short protein forms G472V.
Identifiers: ClinVar variation 1009219 (VCV001009219.6), dbSNP rs113621756, ClinGen allele CA8982305.
Genomic context (GRCh38, chr18:62,113,153, plus strand): 5'-TTTTATACCATCATCTGAATCCTCACATTTTCTAAACGTACCTTCACTTCTTTACTAACA[C>A]CTTTTATAAGGTTGGAATGAGACTTGATGATCAACAAAGAGGCATAAGATATCCATCCCA-3'
Protein context (NP_789744.1, residues 462-482): IIKSHSNLIK[Gly472Val]VSKEVKKPSH